The following is an entry in ClinVar:

ClinVar aggregate classification (germline): Conflicting classifications of pathogenicity. Review status: criteria provided, conflicting classifications (1 of 4 stars). 4 submissions from 4 submitters: Uncertain significance (2); Benign (1); Likely benign (1). Last evaluated 2026-01-13.

Conditions:
Tuberous sclerosis 2 (TSC2). Identifiers: Orphanet 805, MedGen C1860707, MONDO:0013199, OMIM 613254.
Hereditary cancer-predisposing syndrome. Also called: Hereditary neoplastic syndrome; Neoplastic Syndromes, Hereditary; Tumor predisposition; Hereditary Cancer Syndrome. Identifiers: Orphanet 140162, MedGen C0027672, MeSH D009386, MONDO:0015356.
Tuberous sclerosis syndrome (TSC). Also called: Tuberous Sclerosis Complex; Tuberous sclerosis. Identifiers: Orphanet 805, MedGen C0041341, MONDO:0001734.

Allele frequency attached by ClinVar (database versions not stated): gnomAD exomes 0.00001 and 0.00002; ExAC 0.00002; TOPMed 0.00002.
gnomAD v4.1: 15 of 1,613,410 alleles (0.00093%); highest among the groups gnomAD compares: South Asian, 0.0055%; no homozygotes.

Submissions (5):

Labcorp Genetics (formerly Invitae), Labcorp
Classification: Benign for Tuberous sclerosis 2. Last evaluated: 2026-01-13. Review status: criteria provided, single submitter. Criteria: Invitae Variant Classification Sherloc (09022015). Collection method: clinical testing. Allele origin: germline.

All of Us Research Program, National Institutes of Health
Classification: Uncertain significance for Tuberous sclerosis syndrome. Last evaluated: 2024-05-09. Review status: criteria provided, single submitter. Criteria: ACMG Guidelines, 2015. Collection method: clinical testing. Allele origin: germline. Inheritance: Autosomal dominant inheritance. Observed: 1 variant allele, 1 heterozygote.
Comment: This synonymous variant causes a nucleotide substitution but does not change the encoded amino acid at codon 543 of the TSC2 protein. To our knowledge, functional studies have not been reported for this variant. This variant has not been reported in individuals affected with tuberous sclerosis complex in the literature. This variant has been identified in 4/250310 chromosomes in the general population by the Genome Aggregation Database (gnomAD). The available evidence is insufficient to determine the role of this variant in disease conclusively. Therefore, this variant is classified as a Variant of Uncertain Significance.

This study involves interpretation of variants in research participants for the purpose of population health screening. Participant phenotype was not available at the time of variant classification. Additional details can be found in publication PMID: 35346344, PMCID: PMC8962531

GeneDx
Classification: Uncertain significance. Last evaluated: 2023-07-06. Review status: criteria provided, single submitter. Criteria: GeneDx Variant Classification Process June 2021. Collection method: clinical testing. Allele origin: germline. Affected: yes.
Comment: In silico analysis supports a deleterious effect on splicing; Has not been previously published as pathogenic or benign to our knowledge

Ambry Genetics
Classification: Likely benign for Hereditary cancer-predisposing syndrome. Last evaluated: 2022-12-29. Review status: criteria provided, single submitter. Criteria: Ambry Variant Classification Scheme 2023. Collection method: clinical testing. Allele origin: germline.

Dr. Peter K. Rogan Lab, Western University
No classification provided (evidence only). Condition: Lung cancer. Review status: no classification provided. Collection method: in vitro. Allele origin: not applicable. Functional consequence: retained intron. Not counted in ClinVar's aggregate classification.

NM_000548.5(TSC2):c.1629G>A (p.Pro543=)

Gene: TSC2 (TSC complex subunit 2; plus strand). Cytogenetic location: 16p13.3.
Variant type: single nucleotide variant.
Coding change: c.1629G>A on transcript NM_000548.5 (MANE Select); coding-DNA position 1629, G replaced by A.
Protein change: p.Pro543=; no amino-acid change (proline 543 retained).
Molecular consequence: synonymous variant.
Genome position (GRCh38, 1-based): chr16:2,065,548, G>A. VCF-style: chr16-2065548-G-A. GRCh37 (hg19) VCF-style: chr16-2115549-G-A.
Other names: c.1629G>A, p.Pro543= (NM_001077183.3, NM_001114382.3, NM_001363528.2 and 3 more transcripts); c.1518G>A, p.Pro506= (NM_001318827.2); c.1482G>A, p.Pro494= (NM_001318829.2); c.1029G>A, p.Pro343= (NM_001318831.2); c.1662G>A, p.Pro554= (NM_001318832.2).
Identifiers: ClinVar variation 467885 (VCV000467885.19), dbSNP rs750309571, ClinGen allele CA031881.